The following continues an entry in ClinVar:

NM_172107.4(KCNQ2):c.881C>T (p.Ala294Val)

Gene: KCNQ2. ClinVar aggregate classification (germline): Pathogenic. Pathogenic (14).

Submissions 16 to 23 of 23:

Center of Excellence for Medical Genomics, Chulalongkorn University
Classification: Pathogenic for Seizures, benign familial neonatal, 1. Last evaluated: 2002-09-08. Review status: no assertion criteria provided. Collection method: research. Allele origin: de novo. Affected: yes. Not counted in ClinVar's aggregate classification.

Channelopathy-Associated Epilepsy Research Center
No classification provided (evidence only). Condition: Complex neurodevelopmental disorder. Review status: no classification provided. Collection method: literature only. Allele origin: not applicable. Functional consequence: Severe decrease in peak current, Normal rate of activation, Normal voltage dependence of activation. Not counted in ClinVar's aggregate classification.
ClinVar note: "not provided" was previously submitted as the classification for the variant. However, the classification appeared to be based only on an observation of functional data so it was converted to no classification on 2025-07-30.

Channelopathy-Associated Epilepsy Research Center
No classification provided (evidence only). Review status: no classification provided. Collection method: in vitro. Allele origin: not applicable. Functional consequence: Decrease in peak current. Not counted in ClinVar's aggregate classification.

Channelopathy-Associated Epilepsy Research Center
No classification provided (evidence only). Review status: no classification provided. Collection method: in vitro. Allele origin: not applicable. Functional consequence: Decrease in peak current. Not counted in ClinVar's aggregate classification.

Channelopathy-Associated Epilepsy Research Center
No classification provided (evidence only). Review status: no classification provided. Collection method: in vitro. Allele origin: not applicable. Functional consequence: Normal voltage dependence of activation. Not counted in ClinVar's aggregate classification.

Channelopathy-Associated Epilepsy Research Center
No classification provided (evidence only). Review status: no classification provided. Collection method: in vitro. Allele origin: not applicable. Functional consequence: Increase in slope of activation. Not counted in ClinVar's aggregate classification.

Channelopathy-Associated Epilepsy Research Center
No classification provided (evidence only). Review status: no classification provided. Collection method: in vitro. Allele origin: not applicable. Functional consequence: Normal rate of activation. Not counted in ClinVar's aggregate classification.

GeneReviews
No classification provided. Condition: Developmental and epileptic encephalopathy, 7. Review status: no classification provided. Collection method: literature only. Allele origin: germline. Affected: yes. Not counted in ClinVar's aggregate classification.
Comment: EE (epileptic encephalopathy)

Functional effect: This mutation alters the Im current and the localization of the KCNQ2/KCNQ3 tetramers with neurons.

Literature cited by the submitters: PubMed 23692823 (cited by 3 submitters); PubMed 17129708 (cited by 3billion); PubMed 27535030 (cited by 3billion); PubMed 25052858 (cited by 3 submitters); PubMed 25880994 (cited by Labcorp Genetics (formerly Invitae), Labcorp and GeneReviews); PubMed 26007637 (cited by Labcorp Genetics (formerly Invitae), Labcorp and Unidad de Genómica Garrahan, Hospital de Pediatría Garrahan); PubMed 27602407 (cited by Labcorp Genetics (formerly Invitae), Labcorp); PubMed 27905566 (cited by Labcorp Genetics (formerly Invitae), Labcorp); PubMed 23621294 (cited by 3 submitters); PubMed 35104249 (cited by Channelopathy-Associated Epilepsy Research Center); PubMed 23934111 (cited by GeneReviews); PubMed 25959266 (cited by GeneReviews); NCBI Bookshelf NBK32534 (cited by GeneReviews).